The following is an entry in ClinVar:

ClinVar aggregate classification (germline): Conflicting classifications of pathogenicity. Review status: criteria provided, conflicting classifications (1 of 4 stars). 2 submissions from 2 submitters: Uncertain significance (1); Likely benign (1). Last evaluated 2025-05-23.

Conditions:
CSDE1-related disorder. Also called: CSDE1-related condition.
Inborn genetic diseases. Identifiers: MedGen C0950123, MeSH D030342.

gnomAD v4.1: 39 of 1,612,794 alleles (0.0024%); highest among the groups gnomAD compares: Admixed American, 0.0083%; no homozygotes.

Submissions (2):

PreventionGenetics, part of Exact Sciences
Classification: Uncertain significance for CSDE1-related condition. Last evaluated: 2025-05-23. Review status: criteria provided, single submitter. Criteria: ACMG Guidelines, 2015. Collection method: clinical testing. Allele origin: germline.
Comment: The CSDE1 c.1486A>G variant is predicted to result in the amino acid substitution p.Thr496Ala. To our knowledge, this variant has not been reported in the literature. This variant is reported in 0.0065% of alleles in individuals of South Asian descent in gnomAD. At this time, the clinical significance of this variant is uncertain due to the absence of conclusive functional and genetic evidence.

Ambry Genetics
Classification: Likely benign for Inborn genetic diseases. Last evaluated: 2024-03-19. Review status: criteria provided, single submitter. Criteria: Ambry Variant Classification Scheme 2023. Collection method: clinical testing. Allele origin: germline.

NM_001007553.3(CSDE1):c.1441A>G (p.Thr481Ala)

Gene: CSDE1 (cold shock domain containing E1; minus strand). Cytogenetic location: 1p13.2.
Variant type: single nucleotide variant.
Coding change: c.1441A>G on transcript NM_001007553.3 (MANE Select); coding-DNA position 1441, A replaced by G.
Protein change: p.Thr481Ala; replaces threonine 481 with alanine.
Molecular consequence: missense variant.
Genome position (GRCh38, 1-based): chr1:114,727,006, T>C on the plus strand (A>G on the coding strand, the complement: CSDE1 is on the minus strand). VCF-style: chr1-114727006-T-C. GRCh37 (hg19) VCF-style: chr1-115269627-T-C.
Other names: c.1486A>G, p.Thr496Ala (NM_001130523.3); c.1579A>G, p.Thr527Ala (NM_001242891.2); c.1441A>G, p.Thr481Ala (NM_001242892.2); c.1348A>G, p.Thr450Ala (NM_001242893.2, NM_007158.6); c.1486A>G (NM_001130523.2); short protein forms T496A, T527A, T450A, T481A.
Identifiers: ClinVar variation 3269727 (VCV003269727.2).